The following is an entry in ClinVar:

NM_001378454.1(ALMS1):c.2678C>T (p.Pro893Leu)

Gene: ALMS1 (ALMS1 centrosome and basal body associated protein; plus strand). Cytogenetic location: 2p13.1.
Variant type: single nucleotide variant.
Coding change: c.2678C>T on transcript NM_001378454.1 (MANE Select); coding-DNA position 2678, C replaced by T.
Protein change: p.Pro893Leu; replaces proline 893 with leucine.
Molecular consequence: missense variant.
Genome position (GRCh38, 1-based): chr2:73,449,205, C>T. VCF-style: chr2-73449205-C-T. GRCh37 (hg19) VCF-style: chr2-73676332-C-T.
Other names: c.2681C>T, p.Pro894Leu (NM_015120.4); short protein forms P893L, P894L.
Identifiers: ClinVar variation 951186 (VCV000951186.11), dbSNP rs1671874349, ClinGen allele CA347271136.

ClinVar aggregate classification (germline): Uncertain significance. Review status: criteria provided, multiple submitters, no conflicts (2 of 4 stars). 2 submissions from 2 submitters: Uncertain significance (2). Last evaluated 2024-10-08.

Conditions:
Alstrom syndrome (ALMS). Identifiers: Orphanet 64, MedGen C0268425, MONDO:0008763, OMIM 203800.

Allele frequency attached by ClinVar (database versions not stated): gnomAD exomes below 0.00001.
gnomAD v4.1: 1 of 1,614,110 alleles (0.000062%); highest among the groups gnomAD compares: South Asian, 0.0011%; no homozygotes.

Submissions (2):

Labcorp Genetics (formerly Invitae), Labcorp
Classification: Uncertain significance for Alstrom syndrome. Last evaluated: 2024-10-08. Review status: criteria provided, single submitter. Criteria: Invitae Variant Classification Sherloc (09022015). Collection method: clinical testing. Allele origin: germline.
Comment: This sequence change replaces proline, which is neutral and non-polar, with leucine, which is neutral and non-polar, at codon 894 of the ALMS1 protein (p.Pro894Leu). This variant is not present in population databases (gnomAD no frequency). This variant has not been reported in the literature in individuals affected with ALMS1-related conditions. ClinVar contains an entry for this variant (Variation ID: 951186). An algorithm developed to predict the effect of missense changes on protein structure and function outputs the following: PolyPhen-2: "Not Available". The leucine amino acid residue is found in multiple mammalian species, which suggests that this missense change does not adversely affect protein function. In summary, the available evidence is currently insufficient to determine the role of this variant in disease. Therefore, it has been classified as a Variant of Uncertain Significance.

GeneDx
Classification: Uncertain significance. Last evaluated: 2019-05-28. Review status: criteria provided, single submitter. Criteria: GeneDx Variant Classification Process June 2021. Collection method: clinical testing. Allele origin: germline. Affected: yes.